The following is an entry in ClinVar:

ClinVar aggregate classification (germline): Uncertain significance (1 of 4 stars; one submission).

Conditions:
Branched-chain keto acid dehydrogenase kinase deficiency (BCKDKD). Also called: BCKDK DEFICIENCY. Identifiers: Orphanet 308410, MedGen C3554078, MONDO:0013970, OMIM 614923.

Allele frequency attached by ClinVar (database versions not stated): gnomAD 0.00001; TOPMed 0.00001.
gnomAD v4.1: 3 of 1,613,932 alleles (0.00019%); highest among the groups gnomAD compares: Admixed American, 0.0033%; no homozygotes.

Submission:

Labcorp Genetics (formerly Invitae), Labcorp
Classification: Uncertain significance for Branched-chain keto acid dehydrogenase kinase deficiency. Last evaluated: 2020-11-14. Review status: criteria provided, single submitter. Criteria: Invitae Variant Classification Sherloc (09022015). Collection method: clinical testing. Allele origin: germline.
Comment: In summary, the available evidence is currently insufficient to determine the role of this variant in disease. Therefore, it has been classified as a Variant of Uncertain Significance. Algorithms developed to predict the effect of missense changes on protein structure and function are either unavailable or do not agree on the potential impact of this missense change (SIFT: "Deleterious"; PolyPhen-2: "Probably Damaging"; Align-GVGD: "Class C15"). This variant has not been reported in the literature in individuals with BCKDK-related conditions. This variant is not present in population databases (ExAC no frequency). This sequence change replaces threonine with asparagine at codon 167 of the BCKDK protein (p.Thr167Asn). The threonine residue is highly conserved and there is a small physicochemical difference between threonine and asparagine.

NM_005881.4(BCKDK):c.500C>A (p.Thr167Asn)

Gene: BCKDK (branched chain keto acid dehydrogenase kinase; plus strand). Cytogenetic location: 16p11.2.
Variant type: single nucleotide variant.
Coding change: c.500C>A on transcript NM_005881.4 (MANE Select); coding-DNA position 500, C replaced by A.
Protein change: p.Thr167Asn; replaces threonine 167 with asparagine.
Molecular consequence: missense variant.
Genome position (GRCh38, 1-based): chr16:31,110,281, C>A. VCF-style: chr16-31110281-C-A. GRCh37 (hg19) VCF-style: chr16-31121602-C-A.
Other names: c.500C>A, p.Thr167Asn (NM_001122957.4, NM_001271926.3); short protein forms T167N.
Identifiers: ClinVar variation 1499562 (VCV001499562.8), dbSNP rs2057399952, ClinGen allele CA395657798.